The following is an entry in ClinVar:

ClinVar aggregate classification (germline): Uncertain significance. Review status: criteria provided, multiple submitters, no conflicts (2 of 4 stars). 2 submissions from 2 submitters: Uncertain significance (2). Last evaluated 2025-02-16.

Allele frequency attached by ClinVar (database versions not stated): ExAC 0.00002.
gnomAD v4.1: 18 of 1,587,124 alleles (0.0011%); highest among the groups gnomAD compares: Admixed American, 0.0035%; no homozygotes.

Submissions (2):

Ambry Genetics
Classification: Uncertain significance. Last evaluated: 2025-02-16. Review status: criteria provided, single submitter. Criteria: Ambry Variant Classification Scheme 2023. Collection method: clinical testing. Allele origin: germline.
Comment: The p.E4G variant (also known as c.11A>G), located in coding exon 1 of the FAM175A gene, results from an A to G substitution at nucleotide position 11. The glutamic acid at codon 4 is replaced by glycine, an amino acid with similar properties. This amino acid position is conserved. In addition, this alteration is predicted to be tolerated by in silico analysis. Since supporting evidence is limited at this time, the clinical significance of this alteration remains unclear.

Labcorp Genetics (formerly Invitae), Labcorp
Classification: Uncertain significance. Last evaluated: 2023-07-25. Review status: criteria provided, single submitter. Criteria: Invitae Variant Classification Sherloc (09022015). Collection method: clinical testing. Allele origin: germline.
Comment: The frequency data for this variant in the population databases is considered unreliable, as metrics indicate poor data quality at this position in the gnomAD database. In summary, the available evidence is currently insufficient to determine the role of this variant in disease. Therefore, it has been classified as a Variant of Uncertain Significance. An algorithm developed to predict the effect of missense changes on protein structure and function (PolyPhen-2) suggests that this variant is likely to be disruptive. ClinVar contains an entry for this variant (Variation ID: 2042784). This variant has not been reported in the literature in individuals affected with ABRAXAS1-related conditions. This sequence change replaces glutamic acid, which is acidic and polar, with glycine, which is neutral and non-polar, at codon 4 of the ABRAXAS1 protein (p.Glu4Gly).

NM_139076.3(ABRAXAS1):c.11A>G (p.Glu4Gly)

Genes: ABRAXAS1 (abraxas 1, BRCA1 A complex subunit; minus strand), LOC129992784 (ATAC-STARR-seq lymphoblastoid silent region 15542; plus strand). Cytogenetic location: 4q21.23.
Variant type: single nucleotide variant.
Coding change: c.11A>G on transcript NM_139076.3 (MANE Select); coding-DNA position 11, A replaced by G.
Protein change: p.Glu4Gly; replaces glutamic acid 4 with glycine.
Molecular consequence: missense variant. On other transcripts: 5 prime UTR variant (1).
Genome position (GRCh38, 1-based): chr4:83,485,062, T>C on the plus strand (A>G on the coding strand, the complement: ABRAXAS1 is on the minus strand). VCF-style: chr4-83485062-T-C. GRCh37 (hg19) VCF-style: chr4-84406215-T-C.
Other names: c.-250A>G (NM_001345962.2); short protein forms E4G.
Identifiers: ClinVar variation 2042784 (VCV002042784.7), dbSNP rs780837222, ClinGen allele CA2990692.